The following is an entry in ClinVar:

ClinVar aggregate classification (germline): Uncertain significance (1 of 4 stars; one submission).

Submission:

Ambry Genetics
Classification: Uncertain significance. Last evaluated: 2025-07-02. Review status: criteria provided, single submitter. Criteria: Ambry Variant Classification Scheme 2023. Collection method: clinical testing. Allele origin: germline.
Comment: The p.M53R variant (also known as c.158T>G), located in coding exon 1 of the CDK12 gene, results from a T to G substitution at nucleotide position 158. The methionine at codon 53 is replaced by arginine, an amino acid with similar properties. This amino acid position is conserved. In addition, this alteration is predicted to be tolerated by in silico analysis. Based on the available evidence, the clinical significance of this variant remains unclear.

NM_016507.4(CDK12):c.158T>G (p.Met53Arg)

Genes: CDK12 (cyclin dependent kinase 12; plus strand), LOC126862553 (CDK7 strongly-dependent group 2 enhancer GRCh37_chr17:37618166-37619365; plus strand). Cytogenetic location: 17q12.
Variant type: single nucleotide variant.
Coding change: c.158T>G on transcript NM_016507.4 (MANE Select); coding-DNA position 158, T replaced by G.
Protein change: p.Met53Arg; replaces methionine 53 with arginine.
Molecular consequence: missense variant.
Genome position (GRCh38, 1-based): chr17:39,462,229, T>G. VCF-style: chr17-39462229-T-G. GRCh37 (hg19) VCF-style: chr17-37618482-T-G.
Other names: c.158T>G, p.Met53Arg (NM_015083.4); short protein forms M53R.
Identifiers: ClinVar variation 4224247 (VCV004224247.1).